The following is an entry in ClinVar:

ClinVar aggregate classification (germline): Uncertain significance (1 of 4 stars; one submission).

Conditions:
FGFR2-related craniosynostosis. Identifiers: MedGen CN231480.

Allele frequency attached by ClinVar (database versions not stated): gnomAD exomes 0.00001.
gnomAD v4.1: 9 of 1,614,026 alleles (0.00056%); highest among the groups gnomAD compares: Non-Finnish European, 0.00076%; no homozygotes.

Submission:

Labcorp Genetics (formerly Invitae), Labcorp
Classification: Uncertain significance for FGFR2-related craniosynostosis. Last evaluated: 2022-11-22. Review status: criteria provided, single submitter. Criteria: Invitae Variant Classification Sherloc (09022015). Collection method: clinical testing. Allele origin: germline.
Comment: In summary, the available evidence is currently insufficient to determine the role of this variant in disease. Therefore, it has been classified as a Variant of Uncertain Significance. This variant has not been reported in the literature in individuals affected with FGFR2-related conditions. This variant is not present in population databases (gnomAD no frequency). This sequence change affects a donor splice site in intron 9 of the FGFR2 gene. It is expected to disrupt RNA splicing. Variants that disrupt the donor or acceptor splice site typically lead to a loss of protein function (PMID: 16199547), however the current clinical and genetic evidence is not sufficient to establish whether loss-of-function variants in FGFR2 cause disease.

Literature cited by the submitters: PubMed 16199547.

NM_000141.5(FGFR2):c.1287+1G>T

Gene: FGFR2 (fibroblast growth factor receptor 2; minus strand). Cytogenetic location: 10q26.13.
Variant type: single nucleotide variant.
Coding change: c.1287+1G>T on transcript NM_000141.5 (MANE Select); the canonical splice donor site of the intron after coding-DNA position 1287, G replaced by T.
Molecular consequence: splice donor variant. On other transcripts: intron variant (7).
Genome position (GRCh38, 1-based): chr10:121,515,116, C>A on the plus strand (G>T on the coding strand, the complement: FGFR2 is on the minus strand). VCF-style: chr10-121515116-C-A. GRCh37 (hg19) VCF-style: chr10-123274630-C-A.
Other names: c.951+1G>T (NM_001144914.1); c.936+7G>T (NM_001144918.2, NM_001441091.1); c.942+1G>T (NM_001441090.1, NM_001144916.2); c.1014+7G>T (NM_001441089.1); c.1020+1G>T (NM_023029.3, NM_001144915.2); c.1017+7G>T (NM_001441088.1); c.939+4863G>T (NM_001144917.2); c.1281+7G>T (NM_001320658.2); and 4 more.
Identifiers: ClinVar variation 2025994 (VCV002025994.4), dbSNP rs2134219357, ClinGen allele CA378326931.